The following is an entry in ClinVar:

NM_001197104.2(KMT2A):c.5066C>G (p.Pro1689Arg)

Gene: KMT2A (lysine methyltransferase 2A; plus strand). Cytogenetic location: 11q23.3.
Variant type: single nucleotide variant.
Coding change: c.5066C>G on transcript NM_001197104.2 (MANE Select); coding-DNA position 5066, C replaced by G.
Protein change: p.Pro1689Arg; replaces proline 1689 with arginine.
Molecular consequence: missense variant.
Genome position (GRCh38, 1-based): chr11:118,493,118, C>G. VCF-style: chr11-118493118-C-G. GRCh37 (hg19) VCF-style: chr11-118363833-C-G.
Other names: c.5057C>G, p.Pro1686Arg (NM_005933.4); short protein forms P1686R, P1689R.
Identifiers: ClinVar variation 1303750 (VCV001303750.9), dbSNP rs782799073, ClinGen allele CA6304004.

ClinVar aggregate classification (germline): Uncertain significance. Review status: criteria provided, multiple submitters, no conflicts (2 of 4 stars). 2 submissions from 2 submitters: Uncertain significance (2). Last evaluated 2021-02-03.

Allele frequency attached by ClinVar (database versions not stated): gnomAD exomes below 0.00001 and 0.00001; ExAC 0.00001.
gnomAD v4.1: 2 of 1,614,032 alleles (0.00012%); highest among the groups gnomAD compares: Admixed American, 0.0033%; no homozygotes.

Submissions (2):

Labcorp Genetics (formerly Invitae), Labcorp
Classification: Uncertain significance. Last evaluated: 2021-02-03. Review status: criteria provided, single submitter. Criteria: Invitae Variant Classification Sherloc (09022015). Collection method: clinical testing. Allele origin: germline.
Comment: This sequence change replaces proline with arginine at codon 1689 of the KMT2A protein (p.Pro1689Arg). The proline residue is moderately conserved and there is a moderate physicochemical difference between proline and arginine. This variant is present in population databases (rs782799073, ExAC 0.009%). This variant has not been reported in the literature in individuals with KMT2A-related conditions. Advanced modeling of protein sequence and biophysical properties (such as structural, functional, and spatial information, amino acid conservation, physicochemical variation, residue mobility, and thermodynamic stability) performed at Invitae indicates that this missense variant is expected to disrupt KMT2A protein function. In summary, the available evidence is currently insufficient to determine the role of this variant in disease. Therefore, it has been classified as a Variant of Uncertain Significance.

GeneDx
Classification: Uncertain significance. Last evaluated: 2020-09-21. Review status: criteria provided, single submitter. Criteria: GeneDx Variant Classification Process June 2021. Collection method: clinical testing. Allele origin: germline. Affected: yes.
Comment: In silico analysis, which includes protein predictors and evolutionary conservation, supports that this variant does not alter protein structure/function; Has not been previously published as pathogenic or benign to our knowledge